The following is an entry in ClinVar:

ClinVar aggregate classification (germline): Likely pathogenic (1 of 4 stars; one submission).

Conditions:
Multiple congenital anomalies-hypotonia-seizures syndrome 1 (MCAHS1). Also called: PIGN-CDG; Congenital disorder of glycosylation due to PIGN deficiency; GLYCOSYLPHOSPHATIDYLINOSITOL BIOSYNTHESIS DEFECT 3. Identifiers: Orphanet 280633, MedGen C3279775, MONDO:0013563, OMIM 614080.

Submission:

Labcorp Genetics (formerly Invitae), Labcorp
Classification: Likely pathogenic for Multiple congenital anomalies-hypotonia-seizures syndrome 1. Last evaluated: 2019-03-27. Review status: criteria provided, single submitter. Criteria: Invitae Variant Classification Sherloc (09022015). Collection method: clinical testing. Allele origin: germline.
Comment: In summary, the currently available evidence indicates that the variant is pathogenic, but additional data are needed to prove that conclusively. Therefore, this variant has been classified as Likely Pathogenic. Donor and acceptor splice site variants typically lead to a loss of protein function (PMID: 16199547), and loss-of-function variants in PIGN are known to be pathogenic (PMID: 24253414, 27038415). Algorithms developed to predict the effect of sequence changes on RNA splicing suggest that this variant may disrupt the consensus splice site, but this prediction has not been confirmed by published transcriptional studies. This variant has not been reported in the literature in individuals with PIGN-related disease. This variant is not present in population databases (ExAC no frequency). This sequence change affects an acceptor splice site in intron 20 of the PIGN gene. It is expected to disrupt RNA splicing and likely results in an absent or disrupted protein product.

Literature cited by the submitters: PubMed 16199547; PubMed 24253414; PubMed 27038415.

NM_176787.5(PIGN):c.1860-1G>A

Gene: PIGN (phosphatidylinositol glycan anchor biosynthesis class N; minus strand). Cytogenetic location: 18q21.33.
Variant type: single nucleotide variant.
Coding change: c.1860-1G>A on transcript NM_176787.5 (MANE Select); the canonical splice acceptor site of the intron before coding-DNA position 1860, G replaced by A.
Molecular consequence: splice acceptor variant.
Genome position (GRCh38, 1-based): chr18:62,102,903, C>T on the plus strand (G>A on the coding strand, the complement: PIGN is on the minus strand). VCF-style: chr18-62102903-C-T. GRCh37 (hg19) VCF-style: chr18-59770136-C-T.
Other names: c.1860-1G>A (NM_012327.6).
Identifiers: ClinVar variation 662809 (VCV000662809.9), dbSNP rs1599525360, ClinGen allele CA402604171.